The following is an entry in ClinVar:

NM_001256071.3(RNF213):c.10442C>T (p.Ala3481Val)

Genes: RNF213 (ring finger protein 213; plus strand), RNF213-AS1 (RNF213 antisense RNA 1; minus strand). Cytogenetic location: 17q25.3.
Variant type: single nucleotide variant.
Coding change: c.10442C>T on transcript NM_001256071.3 (MANE Select); coding-DNA position 10442, C replaced by T.
Protein change: p.Ala3481Val; replaces alanine 3481 with valine.
Molecular consequence: missense variant. On other transcripts: non-coding transcript variant (1).
Genome position (GRCh38, 1-based): chr17:80,353,530, C>T. VCF-style: chr17-80353530-C-T. GRCh37 (hg19) VCF-style: chr17-78327330-C-T.
Other names: short protein forms A3481V.
Identifiers: ClinVar variation 723852 (VCV000723852.9), dbSNP rs144139703, ClinGen allele CA8821451.
Genomic context (GRCh38, chr17:80,353,530, plus strand): 5'-ACCTTCTGAGTGGTAACGCAATCACGTTTGCTTCGACTGCAGTGGGCTTGGAACACCGGG[C>T]GGAAGACGGCCATGAGGAGGCGATGGAGACGGAGGCCAGCACATCAGGGGAGGTGGCAGA-3'
Protein context (NP_001243000.2, residues 3471-3491): DLPELGLEHR[Ala3481Val]EDGHEEAMET

ClinVar aggregate classification (germline): Benign/Likely benign. Review status: criteria provided, multiple submitters, no conflicts (2 of 4 stars). 2 submissions from 2 submitters: Benign (1); Likely benign (1). Last evaluated 2026-03-28.

Conditions:
RNF213-related disorder. Also called: RNF213-related condition.

Allele frequency attached by ClinVar (database versions not stated): gnomAD exomes 0.00013 and 0.00027; ExAC 0.00046; 1000 Genomes Project 30x 0.00109; 1000 Genomes Project 0.00120; gnomAD 0.00123 and 0.00131; TOPMed 0.00139; ESP Exome Variant Server 0.00154.
gnomAD v4.1: 381 of 1,611,498 alleles (0.024%); highest among the groups gnomAD compares: African/African-American, 0.44%; 1 homozygote.

Submissions (2):

PreventionGenetics, part of Exact Sciences
Classification: Likely benign for RNF213-related condition. Last evaluated: 2026-03-28. Review status: criteria provided, single submitter. Criteria: ACMG Guidelines, 2015. Collection method: clinical testing. Allele origin: germline.
Comment: This variant is classified as likely benign based on ACMG/AMP sequence variant interpretation guidelines (Richards et al. 2015 PMID: 25741868, with internal and published modifications).

Labcorp Genetics (formerly Invitae), Labcorp
Classification: Benign. Last evaluated: 2023-04-14. Review status: criteria provided, single submitter. Criteria: Invitae Variant Classification Sherloc (09022015). Collection method: clinical testing. Allele origin: germline.